The following is an entry in ClinVar:

ClinVar aggregate classification (germline): Uncertain significance (1 of 4 stars; one submission).

Conditions:
Neuroferritinopathy (NBIA3). Also called: NEURODEGENERATION WITH BRAIN IRON ACCUMULATION 3; BASAL GANGLIA DISEASE, ADULT-ONSET. Identifiers: Orphanet 157846, MedGen C1853578, MONDO:0011638, OMIM 606159.
Hereditary hyperferritinemia with congenital cataracts. Also called: Hereditary hyperferritinemia cataract syndrome; Bonneau-Beaumont syndrome; HYPERFERRITINEMIA WITH OR WITHOUT CATARACT. Identifiers: Orphanet 163, MedGen C1833213, MONDO:0010952, OMIM 600886.

Allele frequency attached by ClinVar (database versions not stated): gnomAD 0.00001 and 0.00002; TOPMed 0.00002; gnomAD exomes 0.00005.

Submission:

Labcorp Genetics (formerly Invitae), Labcorp
Classification: Uncertain significance for Neuroferritinopathy; Hereditary hyperferritinemia with congenital cataracts. Last evaluated: 2025-01-27. Review status: criteria provided, single submitter. Criteria: Invitae Variant Classification Sherloc (09022015). Collection method: clinical testing. Allele origin: germline.
Comment: This variant occurs in a non-coding region of the FTL gene. It does not change the encoded amino acid sequence of the FTL protein. This variant is not present in population databases (gnomAD no frequency). This variant has been observed in individual(s) with unexplained high ferritin levels (PMID: 12670350). This variant is also known as C10U. ClinVar contains an entry for this variant (Variation ID: 1347841). Experimental studies and prediction algorithms are not available or were not evaluated, and the functional significance of this variant is currently unknown. In summary, the available evidence is currently insufficient to determine the role of this variant in disease. Therefore, it has been classified as a Variant of Uncertain Significance.

Literature cited by the submitters: PubMed 12670350.

NM_000146.4(FTL):c.-190C>T

Gene: FTL (ferritin light chain; plus strand). Cytogenetic location: 19q13.33.
Variant type: single nucleotide variant.
Coding change: c.-190C>T on transcript NM_000146.4 (MANE Select); 190 bases upstream of the start codon, C replaced by T.
Molecular consequence: 5 prime UTR variant.
Genome position (GRCh38, 1-based): chr19:48,965,318, C>T. VCF-style: chr19-48965318-C-T. GRCh37 (hg19) VCF-style: chr19-49468575-C-T.
Identifiers: ClinVar variation 1347841 (VCV001347841.6), dbSNP rs1379884083, ClinGen allele CA883052074.
Genomic context (GRCh38, chr19:48,965,318, plus strand): 5'-CCTCCGAGGGCCGGCGCACCATAAAAGAAGCCGCCCTAGCCACGTCCCCTCGCAGTTCGG[C>T]GGTCCCGCGGGTCTGTCTCTTGCTTCAACAGTGTTTGGACGGAACAGATCCGGGGACTCT-3'